The following is an entry in ClinVar:

NM_002439.5(MSH3):c.328G>A (p.Gly110Arg)

Gene: MSH3 (mutS homolog 3; plus strand). Cytogenetic location: 5q14.1.
Variant type: single nucleotide variant.
Coding change: c.328G>A on transcript NM_002439.5 (MANE Select); coding-DNA position 328, G replaced by A.
Protein change: p.Gly110Arg; replaces glycine 110 with arginine.
Molecular consequence: missense variant.
Genome position (GRCh38, 1-based): chr5:80,656,501, G>A. VCF-style: chr5-80656501-G-A. GRCh37 (hg19) VCF-style: chr5-79952320-G-A.
Other names: short protein forms G110R.
Identifiers: ClinVar variation 1054118 (VCV001054118.10), dbSNP rs1749291435, ClinGen allele CA360266473.

ClinVar aggregate classification (germline): Uncertain significance (1 of 4 stars; one submission).

gnomAD v4.1: 1 of 1,614,222 alleles (0.000062%); highest among the groups gnomAD compares: Non-Finnish European, 0.000085%; no homozygotes.

Submission:

Labcorp Genetics (formerly Invitae), Labcorp
Classification: Uncertain significance. Last evaluated: 2022-09-06. Review status: criteria provided, single submitter. Criteria: Invitae Variant Classification Sherloc (09022015). Collection method: clinical testing. Allele origin: germline.
Comment: In summary, the available evidence is currently insufficient to determine the role of this variant in disease. Therefore, it has been classified as a Variant of Uncertain Significance. Algorithms developed to predict the effect of missense changes on protein structure and function output the following: SIFT: "Tolerated"; PolyPhen-2: "Benign"; Align-GVGD: "Class C0". The arginine amino acid residue is found in multiple mammalian species, which suggests that this missense change does not adversely affect protein function. ClinVar contains an entry for this variant (Variation ID: 1054118). This variant has not been reported in the literature in individuals affected with MSH3-related conditions. This variant is not present in population databases (gnomAD no frequency). This sequence change replaces glycine, which is neutral and non-polar, with arginine, which is basic and polar, at codon 110 of the MSH3 protein (p.Gly110Arg).